The following is an entry in ClinVar:

NM_004629.2(FANCG):c.238C>T (p.Leu80=)

Gene: FANCG (FA complementation group G; minus strand). Cytogenetic location: 9p13.3.
Variant type: single nucleotide variant.
Coding change: c.238C>T on transcript NM_004629.2 (MANE Select); coding-DNA position 238, C replaced by T.
Protein change: p.Leu80=; no amino-acid change (leucine 80 retained).
Molecular consequence: synonymous variant.
Genome position (GRCh38, 1-based): chr9:35,078,674, G>A on the plus strand (C>T on the coding strand, the complement: FANCG is on the minus strand). VCF-style: chr9-35078674-G-A. GRCh37 (hg19) VCF-style: chr9-35078671-G-A.
Identifiers: ClinVar variation 239965 (VCV000239965.20), dbSNP rs115131067, ClinGen allele CA5040100.

ClinVar aggregate classification (germline): Benign/Likely benign. Review status: criteria provided, multiple submitters, no conflicts (2 of 4 stars). 6 submissions from 6 submitters: Benign (1); Likely benign (4). 1 of the submissions does not count toward it. Last evaluated 2026-01-28.

Conditions:
Inborn genetic diseases. Identifiers: MedGen C0950123, MeSH D030342.
Fanconi anemia complementation group G. Also called: FANCG-Related Fanconi Anemia; Fanconi anemia group G. Identifiers: Orphanet 84, MedGen C3469527, MONDO:0013565, OMIM 614082.
Fanconi anemia (FA). Also called: Fanconi's anemia. Identifiers: Orphanet 84, MedGen C0015625, MeSH D005199, MONDO:0019391.

Allele frequency attached by ClinVar (database versions not stated): gnomAD exomes 0.00030 and 0.00074; ExAC 0.00101; 1000 Genomes Project 0.00280; gnomAD 0.00301 and 0.00330; 1000 Genomes Project 30x 0.00312; TOPMed 0.00347; ESP Exome Variant Server 0.00423.
gnomAD v4.1: 911 of 1,614,148 alleles (0.056%); highest among the groups gnomAD compares: African/African-American, 1.1%; 3 homozygotes.

Submissions (6):

Labcorp Genetics (formerly Invitae), Labcorp
Classification: Benign for Fanconi anemia. Last evaluated: 2026-01-28. Review status: criteria provided, single submitter. Criteria: Invitae Variant Classification Sherloc (09022015). Collection method: clinical testing. Allele origin: germline.

Ambry Genetics
Classification: Likely benign for Inborn genetic diseases. Last evaluated: 2024-10-02. Review status: criteria provided, single submitter. Criteria: Ambry Variant Classification Scheme 2023. Collection method: clinical testing. Allele origin: germline.

Blueprint Genetics
Classification: Likely benign. Last evaluated: 2024-09-23. Review status: criteria provided, single submitter. Criteria: ACMG Guidelines, 2015. Collection method: clinical testing. Allele origin: germline.

Fulgent Genetics
Classification: Likely benign for Fanconi anemia complementation group G. Last evaluated: 2021-07-18. Review status: criteria provided, single submitter. Criteria: ACMG Guidelines, 2015. Collection method: clinical testing. Allele origin: unknown.

Illumina Laboratory Services, Illumina
Classification: Likely benign for Fanconi anemia complementation group G. Last evaluated: 2018-01-13. Review status: criteria provided, single submitter. Criteria: ICSL Variant Classification Criteria 13 December 2019. Collection method: clinical testing. Allele origin: germline.
Comment: This variant was observed in the ICSL laboratory as part of a predisposition screen in an ostensibly healthy population. It had not been previously curated by ICSL or reported in the Human Gene Mutation Database (HGMD: prior to June 1st, 2018), and was therefore a candidate for classification through an automated scoring system. Utilizing variant allele frequency, disease prevalence and penetrance estimates, and inheritance mode, an automated score was calculated to assess if this variant is too frequent to cause the disease. Based on the score and internal cut-off values, a variant classified as likely benign is not then subjected to further curation. The score for this variant resulted in a classification of likely benign for this disease.

Natera, Inc.
Classification: Benign for Fanconi anemia group G. Last evaluated: 2020-09-16. Review status: no assertion criteria provided. Collection method: clinical testing. Allele origin: germline. Not counted in ClinVar's aggregate classification.